The following is an entry in ClinVar:

NM_006514.4(SCN10A):c.5820A>G (p.Ile1940Met)

Gene: SCN10A (sodium voltage-gated channel alpha subunit 10; minus strand). Cytogenetic location: 3p22.2.
Variant type: single nucleotide variant.
Coding change: c.5820A>G on transcript NM_006514.4 (MANE Select); coding-DNA position 5820, A replaced by G.
Protein change: p.Ile1940Met; replaces isoleucine 1940 with methionine.
Molecular consequence: missense variant.
Genome position (GRCh38, 1-based): chr3:38,697,400, T>C on the plus strand (A>G on the coding strand, the complement: SCN10A is on the minus strand). VCF-style: chr3-38697400-T-C. GRCh37 (hg19) VCF-style: chr3-38738891-T-C.
Other names: c.5820A>G (NM_006514.2); c.5817A>G, p.Ile1939Met (NM_001293306.2); c.5526A>G, p.Ile1842Met (NM_001293307.2); short protein forms I1842M, I1940M, I1939M.
Identifiers: ClinVar variation 834159 (VCV000834159.8), dbSNP rs2063100815, ClinGen allele CA352152285.

ClinVar aggregate classification (germline): Conflicting classifications of pathogenicity. Review status: criteria provided, conflicting classifications (1 of 4 stars). 2 submissions from 2 submitters: Uncertain significance (1); Likely benign (1). Last evaluated 2023-03-13.

Conditions:
Brugada syndrome. Also called: Sudden Unexplained Death Syndrome; Sudden Unexplained Nocturnal Death Syndrome (SUNDS); Sudden unexplained nocturnal death syndrome; Sudden unexpected nocturnal death syndrome. Identifiers: Orphanet 130, MedGen C1142166, MONDO:0015263.
Cardiovascular phenotype. Identifiers: MedGen CN230736.

Allele frequency attached by ClinVar (database versions not stated): gnomAD exomes below 0.00001; TOPMed below 0.00001.
gnomAD v4.1: 1 of 1,614,214 alleles (0.000062%); highest among the groups gnomAD compares: Admixed American, 0.0017%; no homozygotes.

Submissions (2):

Ambry Genetics
Classification: Likely benign for Cardiovascular phenotype. Last evaluated: 2023-03-13. Review status: criteria provided, single submitter. Criteria: Ambry Variant Classification Scheme 2023. Collection method: clinical testing. Allele origin: germline.

Labcorp Genetics (formerly Invitae), Labcorp
Classification: Uncertain significance for Brugada syndrome. Last evaluated: 2019-01-15. Review status: criteria provided, single submitter. Criteria: Invitae Variant Classification Sherloc (09022015). Collection method: clinical testing. Allele origin: germline.
Comment: This sequence change replaces isoleucine with methionine at codon 1940 of the SCN10A protein (p.Ile1940Met). The isoleucine residue is weakly conserved and there is a small physicochemical difference between isoleucine and methionine. This variant is not present in population databases (ExAC no frequency). This variant has not been reported in the literature in individuals with SCN10A-related conditions. Algorithms developed to predict the effect of missense changes on protein structure and function output the following: SIFT: "Tolerated"; PolyPhen-2: "Benign"; Align-GVGD: "Class C0". The methionine amino acid residue is found in multiple mammalian species, suggesting that this missense change does not adversely affect protein function. These predictions have not been confirmed by published functional studies and their clinical significance is uncertain. In summary, the available evidence is currently insufficient to determine the role of this variant in disease. Therefore, it has been classified as a Variant of Uncertain Significance.